The following is an entry in ClinVar:

ClinVar aggregate classification (germline): Likely benign (1 of 4 stars; one submission).

gnomAD v4.1: 5,078 of 1,607,840 alleles (0.32%); highest among the groups gnomAD compares: Non-Finnish European, 0.4%; 13 homozygotes.

Submission:

CeGaT Center for Human Genetics Tuebingen
Classification: Likely benign. Last evaluated: 2025-03-01. Review status: criteria provided, single submitter. Criteria: CeGaT Center For Human Genetics Tuebingen Variant Classification Criteria Version 2. Collection method: clinical testing. Allele origin: germline. Affected: yes. Observed: 1 variant allele.
Comment: BMAL2: BP4, BS2

NM_020183.6(BMAL2):c.1501A>G (p.Ser501Gly)

Genes: BMAL2 (basic helix-loop-helix ARNT like 2; plus strand), BMAL2-AS1 (BMAL2 antisense RNA 1; minus strand). Cytogenetic location: 12p11.23.
Variant type: single nucleotide variant.
Coding change: c.1501A>G on transcript NM_020183.6 (MANE Select); coding-DNA position 1501, A replaced by G.
Protein change: p.Ser501Gly; replaces serine 501 with glycine.
Molecular consequence: missense variant.
Genome position (GRCh38, 1-based): chr12:27,403,456, A>G. VCF-style: chr12-27403456-A-G. GRCh37 (hg19) VCF-style: chr12-27556389-A-G.
Other names: c.1459A>G, p.Ser487Gly (NM_001248002.3); c.1390A>G, p.Ser464Gly (NM_001248003.3, NM_001248005.3); c.1357A>G, p.Ser453Gly (NM_001248004.3); c.1534A>G, p.Ser512Gly (NM_001394524.1); c.1492A>G, p.Ser498Gly (NM_001394525.1); c.1399A>G, p.Ser467Gly (NM_001394526.1); c.1348A>G, p.Ser450Gly (NM_001394527.1); c.1297A>G, p.Ser433Gly (NM_001394528.1); and 1 more; short protein forms S422G, S433G, S450G, S453G, S464G, S467G, S487G, S498G.
Identifiers: ClinVar variation 3777802 (VCV003777802.7).